The following is an entry in ClinVar:

ClinVar aggregate classification (germline): Uncertain significance (1 of 4 stars; one submission).

Allele frequency attached by ClinVar (database versions not stated): gnomAD exomes below 0.00001; TOPMed below 0.00001.
gnomAD v4.1: 2 of 1,613,954 alleles (0.00012%); highest among the groups gnomAD compares: Non-Finnish European, 0.00017%; no homozygotes.

Submission:

Labcorp Genetics (formerly Invitae), Labcorp
Classification: Uncertain significance. Last evaluated: 2025-07-27. Review status: criteria provided, single submitter. Criteria: Invitae Variant Classification Sherloc (09022015). Collection method: clinical testing. Allele origin: germline.
Comment: This sequence change replaces glutamic acid, which is acidic and polar, with glycine, which is neutral and non-polar, at codon 129 of the ANGPT1 protein (p.Glu129Gly). This variant is not present in population databases (gnomAD no frequency). This variant has not been reported in the literature in individuals affected with ANGPT1-related conditions. ClinVar contains an entry for this variant (Variation ID: 2826370). An algorithm developed to predict the effect of missense changes on protein structure and function (PolyPhen-2) suggests that this variant is likely to be disruptive. In summary, the available evidence is currently insufficient to determine the role of this variant in disease. Therefore, it has been classified as a Variant of Uncertain Significance.

NM_001146.5(ANGPT1):c.386A>G (p.Glu129Gly)

Gene: ANGPT1 (angiopoietin 1; minus strand). Cytogenetic location: 8q23.1.
Variant type: single nucleotide variant.
Coding change: c.386A>G on transcript NM_001146.5 (MANE Select); coding-DNA position 386, A replaced by G.
Protein change: p.Glu129Gly; replaces glutamic acid 129 with glycine.
Molecular consequence: missense variant.
Genome position (GRCh38, 1-based): chr8:107,347,009, T>C on the plus strand (A>G on the coding strand, the complement: ANGPT1 is on the minus strand). VCF-style: chr8-107347009-T-C. GRCh37 (hg19) VCF-style: chr8-108359237-T-C.
Other names: c.386A>G, p.Glu129Gly (NM_001199859.3); short protein forms E129G.
Identifiers: ClinVar variation 2826370 (VCV002826370.3), dbSNP rs1490691936, ClinGen allele CA372034855.
Genomic context (GRCh38, chr8:107,347,009, plus strand): 5'-TCAACATCTGTCAGCTTTCTGGTCTGCTCTGCAGTCTGAGAGAGGAGGCTGGTTCCTATC[T>C]CCAGCATGGTAGCCGTGTGGTTCTGAACTGCATTCTGCTGTATCTGGGCCATCTCCGACT-3'
Protein context (NP_001137.2, residues 119-139): AVQNHTATML[Glu129Gly]IGTSLLSQTA